The following is an entry in ClinVar:

ClinVar aggregate classification (germline): Likely pathogenic (1 of 4 stars; one submission).

Conditions:
Propionic acidemia (PROP). Also called: GLYCINEMIA, KETOTIC; HYPERGLYCINEMIA WITH KETOACIDOSIS AND LEUKOPENIA; KETOTIC HYPERGLYCINEMIA. Identifiers: Orphanet 35, MedGen C0268579, MONDO:0011628, OMIM 606054, HP:0003571.

Submission:

Labcorp Genetics (formerly Invitae), Labcorp
Classification: Likely pathogenic for Propionic acidemia. Last evaluated: 2022-06-24. Review status: criteria provided, single submitter. Criteria: Invitae Variant Classification Sherloc (09022015). Collection method: clinical testing. Allele origin: germline.
Comment: This variant is not present in population databases (gnomAD no frequency). In summary, the currently available evidence indicates that the variant is pathogenic, but additional data are needed to prove that conclusively. Therefore, this variant has been classified as Likely Pathogenic. Advanced modeling of protein sequence and biophysical properties (such as structural, functional, and spatial information, amino acid conservation, physicochemical variation, residue mobility, and thermodynamic stability) performed at Invitae indicates that this missense variant is expected to disrupt PCCB protein function. This missense change has been observed in individual(s) with propionic acidemia (Invitae). This sequence change replaces threonine, which is neutral and polar, with arginine, which is basic and polar, at codon 211 of the PCCB protein (p.Thr211Arg).

NM_000532.5(PCCB):c.632C>G (p.Thr211Arg)

Gene: PCCB (propionyl-CoA carboxylase subunit beta; plus strand). Cytogenetic location: 3q22.3.
Variant type: single nucleotide variant.
Coding change: c.632C>G on transcript NM_000532.5 (MANE Select); coding-DNA position 632, C replaced by G.
Protein change: p.Thr211Arg; replaces threonine 211 with arginine.
Molecular consequence: missense variant.
Genome position (GRCh38, 1-based): chr3:136,283,925, C>G. VCF-style: chr3-136283925-C-G. GRCh37 (hg19) VCF-style: chr3-136002767-C-G.
Other names: c.692C>G, p.Thr231Arg (NM_001178014.2); short protein forms T211R, T231R.
Identifiers: ClinVar variation 1490668 (VCV001490668.8), dbSNP rs2108182082, ClinGen allele CA354641938.